The following is an entry in ClinVar:

NC_000017.10:g.(?_41236868)_(41246163_?)del

Gene: BRCA1 (BRCA1 DNA repair associated; minus strand). Cytogenetic location: 17q21.31.
Variant type: Deletion.
Identifiers: ClinVar variation 3243015 (VCV003243015.1).

ClinVar aggregate classification (germline): Pathogenic (1 of 4 stars; one submission).

Conditions:
Hereditary breast ovarian cancer syndrome. Also called: Hereditary breast and ovarian cancer syndrome; Hereditary breast and ovarian cancer; Hereditary breast and ovarian cancer syndrome (HBOC); Breast and ovarian cancer; Hereditary breast and/or ovarian cancer syndrome; BRCA1- and BRCA2-Associated Hereditary Breast and Ovarian Cancer. Identifiers: Orphanet 145, MedGen C0677776, MeSH D061325, MONDO:0003582. Disease mechanism: loss of function.

Submission:

Labcorp Genetics (formerly Invitae), Labcorp
Classification: Pathogenic for Hereditary breast ovarian cancer syndrome. Last evaluated: 2021-11-23. Review status: criteria provided, single submitter. Criteria: Invitae Variant Classification Sherloc (09022015). Collection method: clinical testing. Allele origin: unknown.
Comment: For these reasons, this variant has been classified as Pathogenic. This variant is also known as deletion of part of 11-12, del exons 11(3')-12. A similar copy number variant has been observed in individual(s) with breast cancer (PMID: 18703817; Invitae). This variant results in the deletion of exon 11 and part of exon 10 (c.1385_4186-2276del) of the BRCA1 gene. This deletion is out-of-frame, and is expected to create a premature termination codon and result in an absent or disrupted protein product. Loss-of-function variants in BRCA1 are known to be pathogenic (PMID: 20104584).

Literature cited by the submitters: PubMed 18703817; PubMed 20104584.